The following is an entry in ClinVar:

ClinVar aggregate classification (germline): Likely pathogenic (1 of 4 stars; one submission).

Conditions:
RYR1-related disorder. Also called: RYR1-related condition; RYR1-related disorders. Identifiers: MedGen CN239331.

Submission:

Labcorp Genetics (formerly Invitae), Labcorp
Classification: Likely pathogenic for RYR1-related disorder. Last evaluated: 2021-06-05. Review status: criteria provided, single submitter. Criteria: Invitae Variant Classification Sherloc (09022015). Collection method: clinical testing. Allele origin: germline.
Comment: This variant results in the deletion of part of exon 66 (c.9686-7_9705del) of the RYR1 gene. It is expected to disrupt RNA splicing. Variants that disrupt the donor or acceptor splice site typically lead to a loss of protein function (PMID: 16199547), and loss-of-function variants in RYR1 are known to be pathogenic (PMID: 20583297, 20839240, 23919265, 28818389). This variant is not present in population databases (ExAC no frequency). This variant has not been reported in the literature in individuals with RYR1-related conditions. Algorithms developed to predict the effect of sequence changes on RNA splicing suggest that this variant may disrupt the consensus splice site, but this prediction has not been confirmed by published transcriptional studies. In summary, the currently available evidence indicates that the variant is pathogenic, but additional data are needed to prove that conclusively. Therefore, this variant has been classified as Likely Pathogenic.

Literature cited by the submitters: PubMed 16199547; PubMed 20583297; PubMed 20839240; PubMed 23919265; PubMed 28818389.

NM_000540.3(RYR1):c.9686-7_9705del

Gene: RYR1 (ryanodine receptor 1; plus strand). Cytogenetic location: 19q13.2.
Variant type: Deletion.
Coding change: c.9686-7_9705del on transcript NM_000540.3 (MANE Select); 7 bases into the intron before coding-DNA position 9686 through coding-DNA position 9705, 27 bases deleted (ACCCCAGTCCTGGGGCTCCCCAACAGT).
Molecular consequence: splice acceptor variant.
Genome position (GRCh38, 1-based): chr19:38,517,352-38,517,378, ACCCCAGTCCTGGGGCTCCCCAACAGT deleted; deleting any 27 consecutive bases within chr19:38,517,350-38,517,378 gives the same sequence; the c. name uses the placement nearest the transcript's 3' end. VCF-style (leftmost placement, unchanged base first): chr19-38517349-TGTACCCCAGTCCTGGGGCTCCCCAACA-T. GRCh37 (hg19) VCF-style: chr19-39007989-TGTACCCCAGTCCTGGGGCTCCCCAACA-T.
Other names: c.9686-7_9705del (NM_001042723.2).
Identifiers: ClinVar variation 1504465 (VCV001504465.6), dbSNP rs2145681468, ClinGen allele CA2573156305.